The following is an entry in ClinVar:

ClinVar aggregate classification (germline): Likely benign (0 of 4 stars; one submission).

Conditions:
HMCN1-related disorder. Also called: HMCN1-related condition.

Submission:

PreventionGenetics, part of Exact Sciences
Classification: Likely benign for HMCN1-related condition. Last evaluated: 2019-09-05. Review status: no assertion criteria provided. Collection method: clinical testing. Allele origin: germline.
Comment: This variant is classified as likely benign based on ACMG/AMP sequence variant interpretation guidelines (Richards et al. 2015 PMID: 25741868, with internal and published modifications).

NM_031935.3(HMCN1):c.7427-23TTG[4]

Gene: HMCN1 (hemicentin 1; plus strand). Cytogenetic location: 1q31.1.
Variant type: Microsatellite.
Coding change: c.7427-23TTG[4] on transcript NM_031935.3 (MANE Select); four copies in a row of the 3-base unit TTG starting at c.7427-23.
Molecular consequence: intron variant.
Genome position: GRCh38 VCF-style: chr1-186062490-TTTG-T. GRCh37 (hg19) VCF-style: chr1-186031622-TTTG-T.
Identifiers: ClinVar variation 3043836 (VCV003043836.2), dbSNP rs753268114, ClinGen allele CA1292835.